The following is an entry in ClinVar:

ClinVar aggregate classification (germline): Uncertain significance (1 of 4 stars; one submission).

Conditions:
Joubert syndrome 21 (JBTS21). Identifiers: MedGen C3810212, MONDO:0014288, OMIM 615636.

Allele frequency attached by ClinVar (database versions not stated): gnomAD 0.00001.

Submission:

Labcorp Genetics (formerly Invitae), Labcorp
Classification: Uncertain significance for Joubert syndrome 21. Last evaluated: 2023-11-27. Review status: criteria provided, single submitter. Criteria: Invitae Variant Classification Sherloc (09022015). Collection method: clinical testing. Allele origin: germline.
Comment: This sequence change falls in intron 2 of the CSPP1 gene. It does not directly change the encoded amino acid sequence of the CSPP1 protein. It affects a nucleotide within the consensus splice site. This variant is present in population databases (no rsID available, gnomAD 0.01%). This variant has not been reported in the literature in individuals affected with CSPP1-related conditions. ClinVar contains an entry for this variant (Variation ID: 845022). Variants that disrupt the consensus splice site are a relatively common cause of aberrant splicing (PMID: 17576681, 9536098). Algorithms developed to predict the effect of sequence changes on RNA splicing suggest that this variant is not likely to affect RNA splicing. In summary, the available evidence is currently insufficient to determine the role of this variant in disease. Therefore, it has been classified as a Variant of Uncertain Significance.

Literature cited by the submitters: PubMed 17576681; PubMed 9536098.

NM_001382391.1(CSPP1):c.100-3C>T

Gene: CSPP1 (centrosome and spindle pole associated protein 1; plus strand). Cytogenetic location: 8q13.1.
Variant type: single nucleotide variant.
Coding change: c.100-3C>T on transcript NM_001382391.1 (MANE Select); 3 bases into the intron before coding-DNA position 100, C replaced by T.
Molecular consequence: intron variant.
Genome position (GRCh38, 1-based): chr8:67,076,479, C>T. VCF-style: chr8-67076479-C-T. GRCh37 (hg19) VCF-style: chr8-67988714-C-T.
Other names: c.100-3C>T (NM_001363132.2, NM_001363131.2, NM_001363133.2); c.208-3C>T (NM_001364869.1, NM_024790.7, NM_001438331.1 and 3 more transcripts).
Identifiers: ClinVar variation 845022 (VCV000845022.9), dbSNP rs919525492, ClinGen allele CA178235074.
Genomic context (GRCh38, chr8:67,076,479, plus strand): 5'-TGAGTTGTATATTTCATGGTTTTTTTTTTCCTCTTGCTTTTGTAAACATTATGTCTCTTT[C>T]AGGGAAAGTTGTCAGCGAAGCTTTCTGAAAACAGTAAGATACTGATCTCTATGGCTAAGG-3'